The following is an entry in ClinVar:

ClinVar aggregate classification (germline): Benign. Review status: criteria provided, multiple submitters, no conflicts (2 of 4 stars). 6 submissions from 5 submitters: Benign (6). Last evaluated 2026-01-26.

Conditions:
Autosomal recessive ataxia, Beauce type. Also called: SYNE1 Deficiency; SYNE1-Related Autosomal Recessive Cerebellar Ataxia; Spinocerebellar ataxia, autosomal recessive 8; ATAXIA, RECESSIVE, OF BEAUCE. Identifiers: Orphanet 88644, MedGen C1853116, MONDO:0012549, OMIM 610743.
Emery-Dreifuss muscular dystrophy 4, autosomal dominant (EDMD4). Also called: EMERY-DREIFUSS MUSCULAR DYSTROPHY 4 WITH VARIABLE FEATURES. Identifiers: Orphanet 261, MedGen C2751807, MONDO:0013071, OMIM 612998.

Allele frequency attached by ClinVar (database versions not stated): gnomAD exomes 0.00160; ExAC 0.00213; gnomAD 0.00614 and 0.00658; ESP Exome Variant Server 0.00669; 1000 Genomes Project 0.00679; TOPMed 0.00713; 1000 Genomes Project 30x 0.00718.
gnomAD v4.1: 1,827 of 1,613,906 alleles (0.11%); highest among the groups gnomAD compares: African/African-American, 2.2%; 26 homozygotes.

Submissions (6):

Labcorp Genetics (formerly Invitae), Labcorp
Classification: Benign for Emery-Dreifuss muscular dystrophy 4, autosomal dominant; Autosomal recessive ataxia, Beauce type. Last evaluated: 2026-01-26. Review status: criteria provided, single submitter. Criteria: Invitae Variant Classification Sherloc (09022015). Collection method: clinical testing. Allele origin: germline.

Athena Diagnostics
Classification: Benign. Last evaluated: 2025-10-10. Review status: criteria provided, single submitter. Criteria: Athena Diagnostics Criteria. Collection method: clinical testing. Allele origin: unknown.
Comment: The frequency of this variant in the general population is higher than would generally be expected for pathogenic variants in this gene.

Mayo Clinic Laboratories, Mayo Clinic
Classification: Benign. Last evaluated: 2019-01-25. Review status: criteria provided, single submitter. Criteria: ACMG Guidelines, 2015. Collection method: clinical testing. Allele origin: germline. Observed: 8 variant alleles.

Illumina Laboratory Services, Illumina
Classification: Benign for Autosomal recessive ataxia, Beauce type. Last evaluated: 2018-01-13. Review status: criteria provided, single submitter. Criteria: ICSL Variant Classification Criteria 13 December 2019. Collection method: clinical testing. Allele origin: germline.
Comment: This variant was observed in the ICSL laboratory as part of a predisposition screen in an ostensibly healthy population. It had not been previously curated by ICSL or reported in the Human Gene Mutation Database (HGMD: prior to June 1st, 2018), and was therefore a candidate for classification through an automated scoring system. Utilizing variant allele frequency, disease prevalence and penetrance estimates, and inheritance mode, an automated score was calculated to assess if this variant is too frequent to cause the disease. Based on the score and internal cut-off values, a variant classified as benign is not then subjected to further curation. The score for this variant resulted in a classification of benign for this disease.

Illumina Laboratory Services, Illumina
Classification: Benign for Emery-Dreifuss muscular dystrophy 4, autosomal dominant. Last evaluated: 2018-01-13. Review status: criteria provided, single submitter. Criteria: ICSL Variant Classification Criteria 13 December 2019. Collection method: clinical testing. Allele origin: germline.
Comment: the same text as in the submission from Illumina Laboratory Services, Illumina above.

GeneDx
Classification: Benign. Last evaluated: 2016-12-22. Review status: criteria provided, single submitter. Criteria: GeneDx Variant Classification (06012015). Collection method: clinical testing. Allele origin: germline. Affected: yes.
Comment: This variant is considered likely benign or benign based on one or more of the following criteria: it is a conservative change, it occurs at a poorly conserved position in the protein, it is predicted to be benign by multiple in silico algorithms, and/or has population frequency not consistent with disease.

NM_182961.4(SYNE1):c.16129A>C (p.Met5377Leu)

Gene: SYNE1 (spectrin repeat containing nuclear envelope protein 1; minus strand). Cytogenetic location: 6q25.2.
Variant type: single nucleotide variant.
Coding change: c.16129A>C on transcript NM_182961.4 (MANE Select); coding-DNA position 16129, A replaced by C.
Protein change: p.Met5377Leu; replaces methionine 5377 with leucine.
Molecular consequence: missense variant.
Genome position (GRCh38, 1-based): chr6:152,321,345, T>G on the plus strand (A>C on the coding strand, the complement: SYNE1 is on the minus strand). VCF-style: chr6-152321345-T-G. GRCh37 (hg19) VCF-style: chr6-152642480-T-G.
Other names: p.Met5306Leu; c.15916A>C, p.Met5306Leu (NM_033071.5); short protein forms M5377L, M5306L.
Identifiers: ClinVar variation 355859 (VCV000355859.17), dbSNP rs35987150, ClinGen allele CA4055600.
Genomic context (GRCh38, chr6:152,321,345, plus strand): 5'-AGAGTTCAGAAGGTAATATGGTATAAAGACCTAAGTACTTCTCCTTCTGTTCTTCTGCCA[T>G]TTTTTCAATGTTCTGTCGGTGATTTGTGGCTTCTGTTAGGAGAATCTGAAGAAAAGATCA-3'
Protein context (NP_892006.3, residues 5367-5387): ATNHRQNIEK[Met5377Leu]AEEQKEKYLG